The following is an entry in ClinVar:

ClinVar aggregate classification (germline): Likely benign (1 of 4 stars; one submission).

Allele frequency attached by ClinVar (database versions not stated): gnomAD 0.00007; gnomAD exomes 0.00012; TOPMed 0.00015; ExAC 0.00023.

Submission:

CeGaT Center for Human Genetics Tuebingen
Classification: Likely benign. Last evaluated: 2023-02-01. Review status: criteria provided, single submitter. Criteria: CeGaT Center For Human Genetics Tuebingen Variant Classification Criteria Version 2. Collection method: clinical testing. Allele origin: germline. Affected: yes. Observed: 3 variant alleles.
Comment: ZXDB: BP4, BP7, BS2

NM_007157.4(ZXDB):c.267C>T (p.Gly89=)

Gene: ZXDB (zinc finger X-linked duplicated B; plus strand). Cytogenetic location: Xp11.21.
Variant type: single nucleotide variant.
Coding change: c.267C>T on transcript NM_007157.4 (MANE Select); coding-DNA position 267, C replaced by T.
Protein change: p.Gly89=; no amino-acid change (glycine 89 retained).
Molecular consequence: synonymous variant.
Genome position (GRCh38, 1-based): chrX:57,592,315, C>T. VCF-style: chrX-57592315-C-T. GRCh37 (hg19) VCF-style: chrX-57618748-C-T.
Identifiers: ClinVar variation 2660726 (VCV002660726.24), dbSNP rs763297988, ClinGen allele CA10431044.